The following is an entry in ClinVar:

ClinVar aggregate classification (germline): Benign/Likely benign. Review status: criteria provided, multiple submitters, no conflicts (2 of 4 stars). 4 submissions from 4 submitters: Benign (1); Likely benign (2). 1 of the submissions does not count toward it. Last evaluated 2026-01-26.

Conditions:
TRMT5-related disorder. Also called: TRMT5-related condition.

Allele frequency attached by ClinVar (database versions not stated): TOPMed 0.00003; gnomAD 0.00019; 1000 Genomes Project 30x 0.00062; 1000 Genomes Project 0.00080; ExAC 0.00094.
gnomAD v4.1: 753 of 1,614,188 alleles (0.047%); highest among the groups gnomAD compares: South Asian, 0.75%; 12 homozygotes.

Submissions (4):

Labcorp Genetics (formerly Invitae), Labcorp
Classification: Benign. Last evaluated: 2026-01-26. Review status: criteria provided, single submitter. Criteria: Invitae Variant Classification Sherloc (09022015). Collection method: clinical testing. Allele origin: germline.

Blueprint Genetics
Classification: Likely benign. Last evaluated: 2024-11-19. Review status: criteria provided, single submitter. Criteria: ACMG Guidelines, 2015. Collection method: clinical testing. Allele origin: germline.

CeGaT Center for Human Genetics Tuebingen
Classification: Likely benign. Last evaluated: 2024-06-01. Review status: criteria provided, single submitter. Criteria: CeGaT Center For Human Genetics Tuebingen Variant Classification Criteria Version 2. Collection method: clinical testing. Allele origin: germline. Affected: yes. Observed: 2 variant alleles.
Comment: TRMT5: BP4, BP7, BS2

PreventionGenetics, part of Exact Sciences
Classification: Likely benign for TRMT5-related condition. Last evaluated: 2019-04-24. Review status: no assertion criteria provided. Collection method: clinical testing. Allele origin: germline. Not counted in ClinVar's aggregate classification.
Comment: This variant is classified as likely benign based on ACMG/AMP sequence variant interpretation guidelines (Richards et al. 2015 PMID: 25741868, with internal and published modifications).

NM_020810.3(TRMT5):c.222A>G (p.Ser74=)

Gene: TRMT5 (tRNA methyltransferase 5; minus strand). Cytogenetic location: 14q23.1.
Variant type: single nucleotide variant.
Coding change: c.222A>G on transcript NM_020810.3 (MANE Select); coding-DNA position 222, A replaced by G.
Protein change: p.Ser74=; no amino-acid change (serine 74 retained).
Molecular consequence: synonymous variant.
Genome position (GRCh38, 1-based): chr14:60,979,676, T>C on the plus strand (A>G on the coding strand, the complement: TRMT5 is on the minus strand). VCF-style: chr14-60979676-T-C. GRCh37 (hg19) VCF-style: chr14-61446394-T-C.
Other names: c.306A>G, p.Ser102= (NM_001350253.1); c.303A>G, p.Ser101= (NM_001350254.1).
Identifiers: ClinVar variation 1879280 (VCV001879280.36), dbSNP rs372936436, ClinGen allele CA7213956.
Genomic context (GRCh38, chr14:60,979,676, plus strand): 5'-GACTGTCTTTTTAAAAGCTGTTCTATCAAGTTTTGTCATGCCTCGGACATCAGAAGGTGG[T>C]GAAAACAATTCAGTCTCTCTCTCATGTGTTTCTGTTTCTGGCATGGTTGAGAATCTTTTT-3'
Protein context (NP_065861.3, residues 64-84): ETHERETELF[Ser74=]PPSDVRGMTK